The following is an entry in ClinVar:

ClinVar aggregate classification (germline): Uncertain significance. Review status: criteria provided, multiple submitters, no conflicts (2 of 4 stars). 4 submissions from 4 submitters: Uncertain significance (4). Last evaluated 2025-06-11.

Conditions:
Pontocerebellar hypoplasia type 3 (PCH3). Also called: PCH WITH OPTIC ATROPHY; CEREBELLAR ATROPHY WITH PROGRESSIVE MICROCEPHALY. Identifiers: Orphanet 97249, MedGen C1842687, MONDO:0011948, OMIM 608027.

Allele frequency attached by ClinVar (database versions not stated): gnomAD exomes 0.00007 and 0.00009; ESP Exome Variant Server 0.00008; gnomAD 0.00009 and 0.00010; ExAC 0.00010; TOPMed 0.00012; 1000 Genomes Project 30x 0.00016.
gnomAD v4.1: 141 of 1,602,504 alleles (0.0088%); highest among the groups gnomAD compares: South Asian, 0.021%; no homozygotes.

Submissions (4):

GeneDx
Classification: Uncertain significance. Last evaluated: 2025-06-11. Review status: criteria provided, single submitter. Criteria: GeneDx Variant Classification Process June 2021. Collection method: clinical testing. Allele origin: germline. Affected: yes.
Comment: In silico analysis supports that this missense variant has a deleterious effect on protein structure/function; This variant is associated with the following publications: (PMID: 38177409)

Blueprint Genetics
Classification: Uncertain significance. Last evaluated: 2024-10-02. Review status: criteria provided, single submitter. Criteria: ACMG Guidelines, 2015. Collection method: clinical testing. Allele origin: germline.

DECIPHERD-UDD, Universidad del Desarrollo
Classification: Uncertain significance for Pontocerebellar hypoplasia type 3. Last evaluated: 2023-07-01. Review status: criteria provided, single submitter. Criteria: ACMG Guidelines, 2015. Collection method: research. Allele origin: paternal. Affected: yes.

Labcorp Genetics (formerly Invitae), Labcorp
Classification: Uncertain significance. Last evaluated: 2022-08-16. Review status: criteria provided, single submitter. Criteria: Invitae Variant Classification Sherloc (09022015). Collection method: clinical testing. Allele origin: germline.
Comment: This sequence change replaces arginine, which is basic and polar, with cysteine, which is neutral and slightly polar, at codon 4272 of the PCLO protein (p.Arg4272Cys). This variant is present in population databases (rs373739483, gnomAD 0.01%). This variant has not been reported in the literature in individuals affected with PCLO-related conditions. ClinVar contains an entry for this variant (Variation ID: 1378579). Algorithms developed to predict the effect of missense changes on protein structure and function are either unavailable or do not agree on the potential impact of this missense change (SIFT: "Deleterious"; PolyPhen-2: "Not Available"; Align-GVGD: "Class C0"). In summary, the available evidence is currently insufficient to determine the role of this variant in disease. Therefore, it has been classified as a Variant of Uncertain Significance.

Literature cited by the submitters: PubMed 38177409 (cited by DECIPHERD-UDD, Universidad del Desarrollo).

NM_033026.6(PCLO):c.12814C>T (p.Arg4272Cys)

Gene: PCLO (piccolo presynaptic cytomatrix protein; minus strand). Cytogenetic location: 7q21.11.
Variant type: single nucleotide variant.
Coding change: c.12814C>T on transcript NM_033026.6 (MANE Select); coding-DNA position 12814, C replaced by T.
Protein change: p.Arg4272Cys; replaces arginine 4272 with cysteine.
Molecular consequence: missense variant.
Genome position (GRCh38, 1-based): chr7:82,915,172, G>A on the plus strand (C>T on the coding strand, the complement: PCLO is on the minus strand). VCF-style: chr7-82915172-G-A. GRCh37 (hg19) VCF-style: chr7-82544488-G-A.
Other names: c.12814C>T, p.Arg4272Cys (NM_014510.3); c.12814C>T (NM_033026.5); short protein forms R4272C.
Identifiers: ClinVar variation 1378579 (VCV001378579.6), dbSNP rs373739483, ClinGen allele CA4319303.
Genomic context (GRCh38, chr7:82,915,172, plus strand): 5'-AAGGTCTGGACCTGCTGCCACTACTGTATGGCTTATCCGCTTCATCCTGCAGAGCTGAGC[G>A]TATGGTATTTCCTAATGTGCCCAGTCCTGTGCCAAGAGAAGATCCCATAAATTTTTGTTG-3'
Protein context (NP_149015.2, residues 4262-4282): TGLGTLGNTI[Arg4272Cys]SALQDEADKP